The following is an entry in ClinVar:

ClinVar aggregate classification (germline): Likely pathogenic. Review status: criteria provided, multiple submitters, no conflicts (2 of 4 stars). 2 submissions from 2 submitters: Likely pathogenic (2). Last evaluated 2023-09-27.

Conditions:
Ichthyosis vulgaris. Also called: ICHTHYOSIS SIMPLEX; Dominant ichthyosis vulgaris. Identifiers: MedGen C0079584, MONDO:0024304, OMIM 146700.
Dermatitis, atopic, 2. Identifiers: MedGen C1853965, MONDO:0011596, OMIM 605803.

gnomAD v4.1: 4 of 1,613,544 alleles (0.00025%); highest among the groups gnomAD compares: East Asian, 0.0067%; no homozygotes.

Submissions (2):

Department of Pathology and Laboratory Medicine, Sinai Health System
Classification: Likely pathogenic for Ichthyosis vulgaris. Last evaluated: 2023-09-27. Review status: criteria provided, single submitter. Criteria: ACMG Guidelines, 2015. Collection method: research. Allele origin: germline.

Juno Genomics, Hangzhou Juno Genomics, Inc
Classification: Likely pathogenic for Dermatitis, atopic, 2; Ichthyosis vulgaris. Review status: criteria provided, single submitter. Criteria: ACMG Guidelines, 2015. Collection method: clinical testing. Allele origin: germline. Affected: yes.
Comment: Absent from controls (or at extremely low frequency if recessive) in Genome Aggregation Database.;Null variant in a gene where loss of function (LOF) is a known mechanism of disease.;Patient's phenotype or family history is highly specific for a disease with a single genetic etiology.

NM_002016.2(FLG):c.6592C>T (p.Gln2198Ter)

Genes: CCDST (cervical cancer associated DHX9 suppressive transcript; plus strand), FLG (filaggrin; minus strand). Cytogenetic location: 1q21.3.
Variant type: single nucleotide variant.
Coding change: c.6592C>T on transcript NM_002016.2 (MANE Select); coding-DNA position 6592, C replaced by T.
Protein change: p.Gln2198Ter; replaces glutamine 2198 with a stop codon.
Molecular consequence: nonsense.
Genome position (GRCh38, 1-based): chr1:152,308,294, G>A on the plus strand (C>T on the coding strand, the complement: FLG is on the minus strand). VCF-style: chr1-152308294-G-A. GRCh37 (hg19) VCF-style: chr1-152280770-G-A.
Other names: short protein forms Q2198*.
Identifiers: ClinVar variation 3779661 (VCV003779661.2).
Genomic context (GRCh38, chr1:152,308,294, plus strand): 5'-CGGCCCAAGAGGAAGCTTCATGATGATGCGACCCTGAGTGCCTAGAGCCATCTCCTGATT[G>A]TTCCTTGTCATATGTTTTTCTGCTTGCACTTCTGGATCCTGACTGCCCACGGGAGGCATC-3'